The following is an entry in ClinVar:

ClinVar aggregate classification (germline): Uncertain significance (1 of 4 stars; one submission).

Conditions:
Autosomal recessive congenital ichthyosis 1 (LI1). Also called: COLLODION FETUS; DESQUAMATION OF NEWBORN; ICHTHYOSIS, CONGENITAL, AUTOSOMAL RECESSIVE 1, WITH BATHING SUIT DISTRIBUTION; ICHTHYOSIS, CONGENITAL, AUTOSOMAL RECESSIVE 1, WITH OR WITHOUT BATHING SUIT DISTRIBUTION; ICHTHYOSIS CONGENITA; ICHTHYOSIS CONGENITA II. Identifiers: MedGen C4551630, MONDO:0009441, OMIM 242300.

Submission:

Neuberg Centre For Genomic Medicine, NCGM
Classification: Uncertain significance for Autosomal recessive congenital ichthyosis 1. Review status: criteria provided, single submitter. Criteria: ACMG Guidelines, 2015. Collection method: clinical testing. Allele origin: germline. Inheritance: Autosomal recessive inheritance. Affected: yes.
Comment: The missense variant in c.344T>G (p.Val115Gly) in TGM1 gene has not been reported previously as a pathogenic variant nor as a benign variant, to our knowledge. The p.Val115Gly variant is novel (not in any individuals) in gnomAD Exomes and 1000 Genomes. The amino acid Val at position 115 is changed to a Gly changing protein sequence and it might alter its composition and physico-chemical properties. The variant is predicted to be damaging by both SIFT and PolyPhen2. The residue is conserved across species. The amino acid change p.Val115Gly in TGM1 is predicted as conserved by GERP++ and PhyloP across 100 vertebrates. For these reasons, this variant has been classified as Uncertain Significance.

NM_000359.3(TGM1):c.344T>G (p.Val115Gly)

Gene: TGM1 (transglutaminase 1; minus strand). Cytogenetic location: 14q12.
Variant type: single nucleotide variant.
Coding change: c.344T>G on transcript NM_000359.3 (MANE Select); coding-DNA position 344, T replaced by G.
Protein change: p.Val115Gly; replaces valine 115 with glycine.
Molecular consequence: missense variant.
Genome position (GRCh38, 1-based): chr14:24,261,859, A>C on the plus strand (T>G on the coding strand, the complement: TGM1 is on the minus strand). VCF-style: chr14-24261859-A-C. GRCh37 (hg19) VCF-style: chr14-24731065-A-C.
Other names: short protein forms V115G.
Identifiers: ClinVar variation 2585387 (VCV002585387.1), dbSNP rs2502508286, ClinGen allele CA389278830.